The following is an entry in ClinVar:

NM_001009944.3(PKD1):c.4929C>T (p.Tyr1643=)

Gene: PKD1 (polycystin 1, transient receptor potential channel interacting; minus strand). Cytogenetic location: 16p13.3.
Variant type: single nucleotide variant.
Coding change: c.4929C>T on transcript NM_001009944.3 (MANE Select); coding-DNA position 4929, C replaced by T.
Protein change: p.Tyr1643=; no amino-acid change (tyrosine 1643 retained).
Molecular consequence: synonymous variant.
Genome position (GRCh38, 1-based): chr16:2,110,238, G>A on the plus strand (C>T on the coding strand, the complement: PKD1 is on the minus strand). VCF-style: chr16-2110238-G-A. GRCh37 (hg19) VCF-style: chr16-2160239-G-A.
Other names: c.4929C>T, p.Tyr1643= (NM_000296.4).
Identifiers: ClinVar variation 3049910 (VCV003049910.2), dbSNP rs752948922, ClinGen allele CA7832189.

ClinVar aggregate classification (germline): Likely benign (0 of 4 stars; one submission).

Conditions:
PKD1-related disorder. Also called: PKD1-related condition.

Allele frequency attached by ClinVar (database versions not stated): ExAC 0.00002.

Submission:

PreventionGenetics, part of Exact Sciences
Classification: Likely benign for PKD1-related condition. Last evaluated: 2022-09-28. Review status: no assertion criteria provided. Collection method: clinical testing. Allele origin: germline.
Comment: This variant is classified as likely benign based on ACMG/AMP sequence variant interpretation guidelines (Richards et al. 2015 PMID: 25741868, with internal and published modifications).